The following is an entry in ClinVar:

NM_004380.3(CREBBP):c.5764C>G (p.Pro1922Ala)

Gene: CREBBP (CREB binding lysine acetyltransferase; minus strand). Cytogenetic location: 16p13.3.
Variant type: single nucleotide variant.
Coding change: c.5764C>G on transcript NM_004380.3 (MANE Select); coding-DNA position 5764, C replaced by G.
Protein change: p.Pro1922Ala; replaces proline 1922 with alanine.
Molecular consequence: missense variant.
Genome position (GRCh38, 1-based): chr16:3,729,283, G>C on the plus strand (C>G on the coding strand, the complement: CREBBP is on the minus strand). VCF-style: chr16-3729283-G-C. GRCh37 (hg19) VCF-style: chr16-3779284-G-C.
Other names: c.5650C>G, p.Pro1884Ala (NM_001079846.1); short protein forms P1884A, P1922A.
Identifiers: ClinVar variation 1304075 (VCV001304075.3), dbSNP rs1035114591, ClinGen allele CA276972073.

ClinVar aggregate classification (germline): Uncertain significance. Review status: criteria provided, multiple submitters, no conflicts (2 of 4 stars). 2 submissions from 2 submitters: Uncertain significance (2). Last evaluated 2024-03-12.

Conditions:
Rubinstein-Taybi syndrome due to CREBBP mutations (RSTS1). Also called: BROAD THUMB-HALLUX SYNDROME; Rubinstein-Taybi syndrome 1; CREBBP-Related Rubinstein-Taybi Syndrome; BROAD THUMBS AND GREAT TOES, CHARACTERISTIC FACIES, AND IMPAIRED INTELLECTUAL DEVELOPMENT; RUBINSTEIN-TAYBI SYNDROME 1, INCOMPLETE; RUBINSTEIN SYNDROME. Identifiers: Orphanet 353277, Orphanet 783, MedGen C4551859, MONDO:0008393, OMIM 180849.
Menke-Hennekam syndrome 1 (MKHK1). Identifiers: MedGen C5193034, MONDO:0020763, OMIM 618332.

Allele frequency attached by ClinVar (database versions not stated): gnomAD 0.00001; TOPMed 0.00001.
gnomAD v4.1: 18 of 1,536,354 alleles (0.0012%); highest among the groups gnomAD compares: Non-Finnish European, 0.0013%; no homozygotes.

Submissions (2):

Fulgent Genetics
Classification: Uncertain significance for Rubinstein-Taybi syndrome due to CREBBP mutations; Menke-Hennekam syndrome 1. Last evaluated: 2024-03-12. Review status: criteria provided, single submitter. Criteria: ACMG Guidelines, 2015. Collection method: clinical testing. Allele origin: germline.

GeneDx
Classification: Uncertain significance. Last evaluated: 2019-10-03. Review status: criteria provided, single submitter. Criteria: GeneDx Variant Classification Process June 2021. Collection method: clinical testing. Allele origin: germline. Affected: yes.
Comment: In silico analysis, which includes protein predictors and evolutionary conservation, supports a deleterious effect; Has not been previously published as pathogenic or benign to our knowledge; No data available from control populations to assess the frequency of this variant